The following is an entry in ClinVar:

ClinVar aggregate classification (germline): Likely benign. Review status: criteria provided, multiple submitters, no conflicts (2 of 4 stars). 3 submissions from 3 submitters: Likely benign (3). Last evaluated 2026-04-01.

Conditions:
MORC2-related disorder. Also called: MORC2-related condition.
Charcot-Marie-Tooth disease axonal type 2Z. Also called: CHARCOT-MARIE-TOOTH DISEASE, AXONAL, AUTOSOMAL DOMINANT, TYPE 2Z; CHARCOT-MARIE-TOOTH NEUROPATHY, TYPE 2Z. Identifiers: Orphanet 466768, MedGen C5569025, MONDO:0014736, OMIM 616688.

Allele frequency attached by ClinVar (database versions not stated): TOPMed below 0.00001; gnomAD 0.00002; gnomAD exomes 0.00003 and 0.00009; ExAC 0.00005; ESP Exome Variant Server 0.00015.
gnomAD v4.1: 131 of 1,613,968 alleles (0.0081%); highest among the groups gnomAD compares: Non-Finnish European, 0.011%; no homozygotes.

Submissions (3):

CeGaT Center for Human Genetics Tuebingen
Classification: Likely benign. Last evaluated: 2026-04-01. Review status: criteria provided, single submitter. Criteria: CeGaT Center For Human Genetics Tuebingen Variant Classification Criteria Version 2. Collection method: clinical testing. Allele origin: germline. Affected: yes. Observed: 2 variant alleles.
Comment: MORC2: BP4, BP7

PreventionGenetics, part of Exact Sciences
Classification: Likely benign for MORC2-related condition. Last evaluated: 2025-12-01. Review status: criteria provided, single submitter. Criteria: ACMG Guidelines, 2015. Collection method: clinical testing. Allele origin: germline.
Comment: This variant is classified as likely benign based on ACMG/AMP sequence variant interpretation guidelines (Richards et al. 2015 PMID: 25741868, with internal and published modifications).

Labcorp Genetics (formerly Invitae), Labcorp
Classification: Likely benign for Charcot-Marie-Tooth disease axonal type 2Z. Last evaluated: 2025-10-07. Review status: criteria provided, single submitter. Criteria: Invitae Variant Classification Sherloc (09022015). Collection method: clinical testing. Allele origin: germline.

NM_001303256.3(MORC2):c.483T>C (p.Asn161=)

Gene: MORC2 (MORC family CW-type zinc finger 2; minus strand). Cytogenetic location: 22q12.2.
Variant type: single nucleotide variant.
Coding change: c.483T>C on transcript NM_001303256.3 (MANE Select); coding-DNA position 483, T replaced by C.
Protein change: p.Asn161=; no amino-acid change (asparagine 161 retained).
Molecular consequence: synonymous variant.
Genome position (GRCh38, 1-based): chr22:30,942,215, A>G on the plus strand (T>C on the coding strand, the complement: MORC2 is on the minus strand). VCF-style: chr22-30942215-A-G. GRCh37 (hg19) VCF-style: chr22-31338202-A-G.
Other names: c.483T>C, p.Asn161= (NM_001303257.2); c.297T>C, p.Asn99= (NM_014941.3); c.483T>C (NM_001303256.2).
Identifiers: ClinVar variation 1136048 (VCV001136048.23), dbSNP rs140735161, ClinGen allele CA10187235.